The following is an entry in ClinVar:

ClinVar aggregate classification (germline): Uncertain significance (1 of 4 stars; one submission).

Conditions:
Asphyxiating thoracic dystrophy 5 (SRTD5). Also called: SHORT-RIB THORACIC DYSPLASIA 5 WITHOUT POLYDACTYLY; SHORT-RIB THORACIC DYSPLASIA 5 WITH OR WITHOUT POLYDACTYLY. Identifiers: Orphanet 474, MedGen C3280598, MONDO:0013717, OMIM 614376.
Senior-Loken syndrome 8 (SLSN8). Identifiers: Orphanet 3156, MedGen C4225376, MONDO:0014579, OMIM 616307.

Submission:

Labcorp Genetics (formerly Invitae), Labcorp
Classification: Uncertain significance for Senior-Loken syndrome 8; Asphyxiating thoracic dystrophy 5. Last evaluated: 2021-08-24. Review status: criteria provided, single submitter. Criteria: Invitae Variant Classification Sherloc (09022015). Collection method: clinical testing. Allele origin: germline.
Comment: This sequence change replaces arginine with threonine at codon 1320 of the WDR19 protein (p.Arg1320Thr). The arginine residue is moderately conserved and there is a moderate physicochemical difference between arginine and threonine. In summary, the available evidence is currently insufficient to determine the role of this variant in disease. Therefore, it has been classified as a Variant of Uncertain Significance. Algorithms developed to predict the effect of missense changes on protein structure and function (SIFT, PolyPhen-2, Align-GVGD) all suggest that this variant is likely to be tolerated. This variant has not been reported in the literature in individuals affected with WDR19-related conditions. This variant is not present in population databases (ExAC no frequency).

NM_025132.4(WDR19):c.3959G>C (p.Arg1320Thr)

Gene: WDR19 (WD repeat domain 19; plus strand). Cytogenetic location: 4p14.
Variant type: single nucleotide variant.
Coding change: c.3959G>C on transcript NM_025132.4 (MANE Select); coding-DNA position 3959, G replaced by C.
Protein change: p.Arg1320Thr; replaces arginine 1320 with threonine.
Molecular consequence: missense variant.
Genome position (GRCh38, 1-based): chr4:39,278,580, G>C. VCF-style: chr4-39278580-G-C. GRCh37 (hg19) VCF-style: chr4-39280200-G-C.
Other names: c.3479G>C, p.Arg1160Thr (NM_001317924.2); short protein forms R1320T, R1160T.
Identifiers: ClinVar variation 1377450 (VCV001377450.6), dbSNP rs1736145510, ClinGen allele CA356654277.